The following is an entry in ClinVar:

ClinVar aggregate classification (germline): Benign. Review status: criteria provided, multiple submitters, no conflicts (2 of 4 stars). 3 submissions from 3 submitters: Benign (3). Last evaluated 2026-08-01.

Conditions:
LAMA1-related disorder. Also called: LAMA1-related disorders; LAMA1-related condition.

Allele frequency attached by ClinVar (database versions not stated): gnomAD exomes 0.00074 and 0.00164; ExAC 0.00171; 1000 Genomes Project 30x 0.00265; 1000 Genomes Project 0.00280; gnomAD 0.00004 and 0.00044; ESP Exome Variant Server 0.00008; TOPMed 0.00008.
gnomAD v4.1: 1,129 of 1,614,242 alleles (0.07%); highest among the groups gnomAD compares: South Asian, 1.2%; 15 homozygotes.

Submissions (3):

CeGaT Center for Human Genetics Tuebingen
Classification: Benign. Last evaluated: 2026-08-01. Review status: criteria provided, single submitter. Criteria: CeGaT Center For Human Genetics Tuebingen Variant Classification Criteria Version 2. Collection method: clinical testing. Allele origin: germline. Affected: yes. Observed: 4 variant alleles.
Comment: LAMA1: BP4, BS1, BS2

Labcorp Genetics (formerly Invitae), Labcorp
Classification: Benign. Last evaluated: 2026-01-06. Review status: criteria provided, single submitter. Criteria: Invitae Variant Classification Sherloc (09022015). Collection method: clinical testing. Allele origin: germline.

PreventionGenetics, part of Exact Sciences
Classification: Benign for LAMA1-related condition. Last evaluated: 2025-05-09. Review status: criteria provided, single submitter. Criteria: ACMG Guidelines, 2015. Collection method: clinical testing. Allele origin: germline.
Comment: This variant is classified as benign based on ACMG/AMP sequence variant interpretation guidelines (Richards et al. 2015 PMID: 25741868, with internal and published modifications).

NM_005559.4(LAMA1):c.1784T>C (p.Ile595Thr)

Gene: LAMA1 (laminin subunit alpha 1; minus strand). Cytogenetic location: 18p11.31.
Variant type: single nucleotide variant.
Coding change: c.1784T>C on transcript NM_005559.4 (MANE Select); coding-DNA position 1784, T replaced by C.
Protein change: p.Ile595Thr; replaces isoleucine 595 with threonine.
Molecular consequence: missense variant.
Genome position (GRCh38, 1-based): chr18:7,036,042, A>G on the plus strand (T>C on the coding strand, the complement: LAMA1 is on the minus strand). VCF-style: chr18-7036042-A-G. GRCh37 (hg19) VCF-style: chr18-7036041-A-G.
Other names: c.1784T>C (NM_005559.3); short protein forms I595T.
Identifiers: ClinVar variation 1566347 (VCV001566347.35), dbSNP rs374756793, ClinGen allele CA8882871.